The following is an entry in ClinVar:

ClinVar aggregate classification (germline): Pathogenic. Review status: criteria provided, multiple submitters, no conflicts (2 of 4 stars). 7 submissions from 7 submitters: Pathogenic (4). 3 of the submissions do not count toward it. Last evaluated 2025-07-11.

Conditions:
Spastic paraplegia. Identifiers: MedGen C0037772, HP:0001258.
CYP2U1-related disorder. Also called: CYP2U1-related condition.
Inborn genetic diseases. Identifiers: MedGen C0950123, MeSH D030342.
Hereditary spastic paraplegia 56. Also called: SPASTIC PARAPLEGIA 56, AUTOSOMAL RECESSIVE, WITH OR WITHOUT PSEUDOXANTHOMA ELASTICUM; Spastic paraplegia 56, autosomal recessive; Spastic Paraplegia 56. Identifiers: Orphanet 320411, MedGen C3539507, MONDO:0014015, OMIM 615030.

Submissions (7):

Laboratorio de Genetica e Diagnostico Molecular, Hospital Israelita Albert Einstein
Classification: Pathogenic for Hereditary spastic paraplegia 56. Last evaluated: 2025-07-11. Review status: criteria provided, single submitter. Criteria: ACMG Guidelines, 2015. Collection method: clinical testing. Allele origin: germline. Affected: yes.
Comment: ACMG classification criteria: PVS1 very strong, PM2 supporting, PM3 supporting

GeneDx
Classification: Pathogenic. Last evaluated: 2024-03-12. Review status: criteria provided, single submitter. Criteria: GeneDx Variant Classification Process June 2021. Collection method: clinical testing. Allele origin: germline. Affected: yes.
Comment: Frameshift variant predicted to result in protein truncation or nonsense mediated decay in a gene for which loss-of-function is a known mechanism of disease; Not observed at significant frequency in large population cohorts (gnomAD); This variant is associated with the following publications: (PMID: 33107650)

Labcorp Genetics (formerly Invitae), Labcorp
Classification: Pathogenic for Spastic paraplegia. Last evaluated: 2022-09-29. Review status: criteria provided, single submitter. Criteria: Invitae Variant Classification Sherloc (09022015). Collection method: clinical testing. Allele origin: germline.
Comment: For these reasons, this variant has been classified as Pathogenic. ClinVar contains an entry for this variant (Variation ID: 429249). This premature translational stop signal has been observed in individual(s) with CYP2U1-related conditions (PMID: 33107650). This variant is present in population databases (rs767024102, gnomAD 0.007%). This sequence change creates a premature translational stop signal (p.Glu404Serfs*34) in the CYP2U1 gene. It is expected to result in an absent or disrupted protein product. Loss-of-function variants in CYP2U1 are known to be pathogenic (PMID: 23176821, 26936192, 27292318).

Ambry Genetics
Classification: Pathogenic for Inborn genetic diseases. Last evaluated: 2016-04-12. Review status: criteria provided, single submitter. Criteria: Ambry exome assertion method (8-5-2015). Collection method: clinical testing. Allele origin: germline. Affected: yes. Observed: 1 variant allele.

PreventionGenetics, part of Exact Sciences
Classification: Pathogenic for CYP2U1-related condition. Last evaluated: 2024-06-20. Review status: no assertion criteria provided. Collection method: clinical testing. Allele origin: germline. Not counted in ClinVar's aggregate classification.
Comment: The CYP2U1 c.1210_1211delGA variant is predicted to result in a frameshift and premature protein termination (p.Glu404Serfs*34). This variant was reported in a homozygous state in an individual with spastic paraplegia, other neurological findings, and pseudoxanthoma elasticum (Legrand et al. 2020. PubMed ID: 33107650). This variant is reported in 0.0062% of alleles in individuals of African descent in gnomAD. Frameshift variants in CYP2U1 are expected to be pathogenic. This variant is interpreted as pathogenic.

OMIM
Classification: Pathogenic for SPASTIC PARAPLEGIA 56, AUTOSOMAL RECESSIVE, WITH PSEUDOXANTHOMA ELASTICUM. Last evaluated: 2022-05-17. Review status: no assertion criteria provided. Collection method: literature only. Allele origin: germline. Not counted in ClinVar's aggregate classification.

Mendelics
Classification: Pathogenic for Spastic paraplegia 56, autosomal recessive. Last evaluated: 2014-04-25. Review status: no assertion criteria provided. Collection method: clinical testing. Allele origin: germline. Affected: yes. Not counted in ClinVar's aggregate classification.

Literature cited by the submitters: PubMed 33107650 (cited by Labcorp Genetics (formerly Invitae), Labcorp and OMIM); PubMed 23176821 (cited by Labcorp Genetics (formerly Invitae), Labcorp and Mendelics); PubMed 26936192 (cited by Labcorp Genetics (formerly Invitae), Labcorp); PubMed 27292318 (cited by Labcorp Genetics (formerly Invitae), Labcorp).

NM_183075.3(CYP2U1):c.1210_1211del (p.Glu404fs)

Gene: CYP2U1 (cytochrome P450 family 2 subfamily U member 1; plus strand). Cytogenetic location: 4q25.
Variant type: Deletion.
Coding change: c.1210_1211del on transcript NM_183075.3 (MANE Select); coding-DNA positions 1210 to 1211, 2 bases deleted (GA; older notation c.1210_1211delGA).
Protein change: p.Glu404fs; shifts the reading frame from glutamic acid 404.
Molecular consequence: frameshift variant.
Genome position (GRCh38, 1-based): chr4:107,947,459-107,947,460, GA deleted; deleting any 2 consecutive bases within chr4:107,947,458-107,947,460 gives the same sequence; the c. name uses the placement nearest the transcript's 3' end. VCF-style (leftmost placement, unchanged base first): chr4-107947457-CAG-C. GRCh37 (hg19) VCF-style: chr4-108868613-CAG-C.
Other names: c.1210_1211delGA (NM_183075.2); short protein forms E404fs.
Identifiers: ClinVar variation 429249 (VCV000429249.16), dbSNP rs767024102, ClinGen allele CA203851.